The following is an entry in ClinVar:

NM_002471.4(MYH6):c.3062G>T (p.Ser1021Ile)

Gene: MYH6 (myosin heavy chain 6; minus strand). Cytogenetic location: 14q11.2.
Variant type: single nucleotide variant.
Coding change: c.3062G>T on transcript NM_002471.4 (MANE Select); coding-DNA position 3062, G replaced by T.
Protein change: p.Ser1021Ile; replaces serine 1021 with isoleucine.
Molecular consequence: missense variant.
Genome position (GRCh38, 1-based): chr14:23,393,385, C>A on the plus strand (G>T on the coding strand, the complement: MYH6 is on the minus strand). VCF-style: chr14-23393385-C-A. GRCh37 (hg19) VCF-style: chr14-23862594-C-A.
Other names: short protein forms S1021I.
Identifiers: ClinVar variation 2567197 (VCV002567197.3), dbSNP rs1595056114, ClinGen allele CA389010421.
Genomic context (GRCh38, chr14:23,393,385, plus strand): 5'-TGGTTCTTACTACTCACATCATCCACCTGCTGCTCCAGCTTGACCTTAGACTTGGACAGG[C>A]TGTTGACCTTGTCTTCCTCAACCTGAAGGTCATCCAGGGCCTGCTGATGGGCCTCTTGTA-3'
Protein context (NP_002462.2, residues 1011-1031): DLQVEEDKVN[Ser1021Ile]LSKSKVKLEQ

ClinVar aggregate classification (germline): Uncertain significance. Review status: criteria provided, multiple submitters, no conflicts (2 of 4 stars). 2 submissions from 2 submitters: Uncertain significance (2). Last evaluated 2024-01-24.

Conditions:
Cardiovascular phenotype. Identifiers: MedGen CN230736.

Allele frequency attached by ClinVar (database versions not stated): TOPMed below 0.00001; gnomAD exomes 0.00001.
gnomAD v4.1: 5 of 1,614,208 alleles (0.00031%); highest among the groups gnomAD compares: Non-Finnish European, 0.00042%; no homozygotes.

Submissions (2):

GeneDx
Classification: Uncertain significance. Last evaluated: 2024-01-24. Review status: criteria provided, single submitter. Criteria: GeneDx Variant Classification Process June 2021. Collection method: clinical testing. Allele origin: germline. Affected: yes.
Comment: Has not been previously published as pathogenic or benign to our knowledge; Not observed at significant frequency in large population cohorts (gnomAD); In silico analysis supports that this missense variant does not alter protein structure/function

Ambry Genetics
Classification: Uncertain significance for Cardiovascular phenotype. Last evaluated: 2023-09-29. Review status: criteria provided, single submitter. Criteria: Ambry Variant Classification Scheme 2023. Collection method: clinical testing. Allele origin: germline.